The following is an entry in ClinVar:

ClinVar aggregate classification (germline): Pathogenic (1 of 4 stars; one submission).

Conditions:
Alstrom syndrome (ALMS). Identifiers: Orphanet 64, MedGen C0268425, MONDO:0008763, OMIM 203800.

Submission:

Labcorp Genetics (formerly Invitae), Labcorp
Classification: Pathogenic for Alstrom syndrome. Last evaluated: 2020-11-12. Review status: criteria provided, single submitter. Criteria: Invitae Variant Classification Sherloc (09022015). Collection method: clinical testing. Allele origin: germline.
Comment: For these reasons, this variant has been classified as Pathogenic. This variant has not been reported in the literature in individuals with ALMS1-related conditions. This variant is a gross deletion of the genomic region encompassing exon(s) 10-21 of the ALMS1 gene. This deletion is out-of-frame, and is expected to create a premature translational stop signal and result in an absent or disrupted protein product. Loss-of-function variants in ALMS1 are known to be pathogenic (PMID: 17594715).

Literature cited by the submitters: PubMed 17594715.

NC_000002.12:g.(?_73489624)_(73603314_?)del

Gene: ALMS1 (ALMS1 centrosome and basal body associated protein; plus strand). Cytogenetic location: 2p13.1.
Variant type: Deletion.
Identifiers: ClinVar variation 830711 (VCV000830711.3).